The following is an entry in ClinVar:

ClinVar aggregate classification (germline): Uncertain significance (1 of 4 stars; one submission).

Allele frequency attached by ClinVar (database versions not stated): gnomAD exomes below 0.00001.
gnomAD v4.1: 2 of 1,612,928 alleles (0.00012%); highest among the groups gnomAD compares: Non-Finnish European, 0.00017%; no homozygotes.

Submission:

Labcorp Genetics (formerly Invitae), Labcorp
Classification: Uncertain significance. Last evaluated: 2022-02-18. Review status: criteria provided, single submitter. Criteria: Invitae Variant Classification Sherloc (09022015). Collection method: clinical testing. Allele origin: germline.
Comment: In summary, the available evidence is currently insufficient to determine the role of this variant in disease. Therefore, it has been classified as a Variant of Uncertain Significance. Algorithms developed to predict the effect of missense changes on protein structure and function are either unavailable or do not agree on the potential impact of this missense change (SIFT: "Deleterious"; PolyPhen-2: "Probably Damaging"; Align-GVGD: "Class C15"). This variant has not been reported in the literature in individuals affected with CLCN2-related conditions. This variant is not present in population databases (gnomAD no frequency). This sequence change replaces tryptophan, which is neutral and slightly polar, with cysteine, which is neutral and slightly polar, at codon 480 of the CLCN2 protein (p.Trp480Cys).

NM_004366.6(CLCN2):c.1440G>C (p.Trp480Cys)

Gene: CLCN2 (chloride voltage-gated channel 2; minus strand). Cytogenetic location: 3q27.1.
Variant type: single nucleotide variant.
Coding change: c.1440G>C on transcript NM_004366.6 (MANE Select); coding-DNA position 1440, G replaced by C.
Protein change: p.Trp480Cys; replaces tryptophan 480 with cysteine.
Molecular consequence: missense variant. On other transcripts: intron variant (1).
Genome position (GRCh38, 1-based): chr3:184,354,615, C>G on the plus strand (G>C on the coding strand, the complement: CLCN2 is on the minus strand). VCF-style: chr3-184354615-C-G. GRCh37 (hg19) VCF-style: chr3-184072403-C-G.
Other names: c.1308G>C, p.Trp436Cys (NM_001171088.3); c.1440G>C, p.Trp480Cys (NM_001171089.3); c.1397-8G>C (NM_001171087.3); short protein forms W436C, W480C.
Identifiers: ClinVar variation 2091475 (VCV002091475.4), dbSNP rs2474245179, ClinGen allele CA355450610.